The following is an entry in ClinVar:

NM_173660.5(DOK7):c.661C>G (p.Pro221Ala)

Gene: DOK7 (docking protein 7; plus strand). Cytogenetic location: 4p16.3.
Variant type: single nucleotide variant.
Coding change: c.661C>G on transcript NM_173660.5 (MANE Select); coding-DNA position 661, C replaced by G.
Protein change: p.Pro221Ala; replaces proline 221 with alanine.
Molecular consequence: missense variant. On other transcripts: 5 prime UTR variant (1).
Genome position (GRCh38, 1-based): chr4:3,489,685, C>G. VCF-style: chr4-3489685-C-G. GRCh37 (hg19) VCF-style: chr4-3491412-C-G.
Other names: c.661C>G (NM_173660.4); c.650C>G, p.Ser217Cys (NM_001164673.2); c.-270C>G (NM_001256896.2); c.661C>G, p.Pro221Ala (NM_001301071.2); c.229C>G, p.Pro77Ala (NM_001363811.2); short protein forms P221A, P77A, S217C.
Identifiers: ClinVar variation 1925131 (VCV001925131.8), dbSNP rs377167511, ClinGen allele CA2829137.

ClinVar aggregate classification (germline): Uncertain significance. Review status: criteria provided, multiple submitters, no conflicts (2 of 4 stars). 3 submissions from 3 submitters: Uncertain significance (3). Last evaluated 2025-08-20.

Conditions:
Inborn genetic diseases. Identifiers: MedGen C0950123, MeSH D030342.
Fetal akinesia deformation sequence 1 (FADS1). Also called: Fetal akinesia sequence; Pena-Shokeir syndrome type I. Identifiers: Orphanet 994, MedGen C1276035, MONDO:0100101, OMIM 208150, HP:0001989.
Congenital myasthenic syndrome 10. Also called: Myasthenia, limb-girdle, familial. Identifiers: Orphanet 590, MedGen C1850792, MONDO:0009690, OMIM 254300.

gnomAD v4.1: 30 of 1,565,308 alleles (0.0019%); highest among the groups gnomAD compares: Admixed American, 0.0038%; no homozygotes.

Submissions (3):

Ambry Genetics
Classification: Uncertain significance for Inborn genetic diseases. Last evaluated: 2025-08-20. Review status: criteria provided, single submitter. Criteria: Ambry Variant Classification Scheme 2023. Collection method: clinical testing. Allele origin: germline.

Labcorp Genetics (formerly Invitae), Labcorp
Classification: Uncertain significance for Congenital myasthenic syndrome 10; Fetal akinesia deformation sequence 1. Last evaluated: 2022-03-18. Review status: criteria provided, single submitter. Criteria: Invitae Variant Classification Sherloc (09022015). Collection method: clinical testing. Allele origin: germline.
Comment: This sequence change replaces proline, which is neutral and non-polar, with alanine, which is neutral and non-polar, at codon 221 of the DOK7 protein (p.Pro221Ala). This variant is present in population databases (rs377167511, gnomAD 0.09%). This variant has not been reported in the literature in individuals affected with DOK7-related conditions. Algorithms developed to predict the effect of missense changes on protein structure and function output the following: SIFT: "Tolerated"; PolyPhen-2: "Benign"; Align-GVGD: "Class C0". The alanine amino acid residue is found in multiple mammalian species, which suggests that this missense change does not adversely affect protein function. In summary, the available evidence is currently insufficient to determine the role of this variant in disease. Therefore, it has been classified as a Variant of Uncertain Significance.

Revvity Omics, Revvity
Classification: Uncertain significance. Last evaluated: 2019-08-07. Review status: criteria provided, single submitter. Criteria: ACMG Guidelines, 2015. Collection method: clinical testing. Allele origin: germline.